The following is an entry in ClinVar:

ClinVar aggregate classification (germline): Uncertain significance (1 of 4 stars; one submission).

gnomAD v4.1: 1 of 1,613,934 alleles (0.000062%); highest among the groups gnomAD compares: Non-Finnish European, 0.000085%; no homozygotes.

Submission:

CeGaT Center for Human Genetics Tuebingen
Classification: Uncertain significance. Last evaluated: 2026-01-01. Review status: criteria provided, single submitter. Criteria: CeGaT Center For Human Genetics Tuebingen Variant Classification Criteria Version 2. Collection method: clinical testing. Allele origin: germline. Affected: yes. Observed: 1 variant allele.
Comment: DOCK4: PM2

NM_001363540.2(DOCK4):c.794G>C (p.Ser265Thr)

Gene: DOCK4 (dedicator of cytokinesis 4; minus strand). Cytogenetic location: 7q31.1.
Variant type: single nucleotide variant.
Coding change: c.794G>C on transcript NM_001363540.2 (MANE Select); coding-DNA position 794, G replaced by C.
Protein change: p.Ser265Thr; replaces serine 265 with threonine.
Molecular consequence: missense variant.
Genome position (GRCh38, 1-based): chr7:111,944,861, C>G on the plus strand (G>C on the coding strand, the complement: DOCK4 is on the minus strand). VCF-style: chr7-111944861-C-G. GRCh37 (hg19) VCF-style: chr7-111584916-C-G.
Other names: c.794G>C, p.Ser265Thr (NM_014705.4); short protein forms S265T.
Identifiers: ClinVar variation 4822970 (VCV004822970.4).